The following is an entry in ClinVar:

ClinVar aggregate classification (germline): Uncertain significance. Review status: criteria provided, multiple submitters, no conflicts (2 of 4 stars). 4 submissions from 4 submitters: Uncertain significance (4). Last evaluated 2025-07-16.

Conditions:
Cardiomyopathy (CMYO). Also called: Cardiomyopathies. Identifiers: Orphanet 167848, MedGen C0878544, MONDO:0004994, HP:0001638. Inheritance: Various modes of inheritance.
Cardiovascular phenotype. Identifiers: MedGen CN230736.
Hypertrophic cardiomyopathy. Also called: HYPERTROPHIC MYOCARDIOPATHY. Identifiers: Orphanet 217569, MedGen C0007194, MeSH D002312, MONDO:0005045, HP:0001639.

Allele frequency attached by ClinVar (database versions not stated): TOPMed 0.00003; gnomAD 0.00001; gnomAD exomes 0.00001 and below 0.00001; ExAC 0.00001.
gnomAD v4.1: 24 of 1,613,242 alleles (0.0015%); highest among the groups gnomAD compares: Non-Finnish European, 0.0019%; no homozygotes.

Submissions (4):

Labcorp Genetics (formerly Invitae), Labcorp
Classification: Uncertain significance for Hypertrophic cardiomyopathy. Last evaluated: 2025-07-16. Review status: criteria provided, single submitter. Criteria: Invitae Variant Classification Sherloc (09022015). Collection method: clinical testing. Allele origin: germline.
Comment: This sequence change replaces methionine, which is neutral and non-polar, with leucine, which is neutral and non-polar, at codon 300 of the MYH7 protein (p.Met300Leu). This variant is present in population databases (rs759998697, gnomAD 0.006%). This variant has not been reported in the literature in individuals affected with MYH7-related conditions. ClinVar contains an entry for this variant (Variation ID: 1332482). An algorithm developed to predict the effect of missense changes on protein structure and function (PolyPhen-2) suggests that this variant is likely to be tolerated. In summary, the available evidence is currently insufficient to determine the role of this variant in disease. Therefore, it has been classified as a Variant of Uncertain Significance.

Color Diagnostics, LLC DBA Color Health
Classification: Uncertain significance for Cardiomyopathy. Last evaluated: 2025-01-06. Review status: criteria provided, single submitter. Criteria: ACMG Guidelines, 2015. Collection method: clinical testing. Allele origin: germline.
Comment: This missense variant replaces methionine with leucine at codon 300 of the MYH7 protein. Computational prediction suggests that this variant may not impact protein structure and function. To our knowledge, functional studies have not been reported for this variant. This variant has not been reported in individuals affected with MYH7-related disorders in the literature. This variant has been identified in 1/251322 chromosomes in the general population by the Genome Aggregation Database (gnomAD). The available evidence is insufficient to determine the role of this variant in disease conclusively. Therefore, this variant is classified as a Variant of Uncertain Significance.

Ambry Genetics
Classification: Uncertain significance for Cardiovascular phenotype. Last evaluated: 2024-05-09. Review status: criteria provided, single submitter. Criteria: Ambry Variant Classification Scheme 2023. Collection method: clinical testing. Allele origin: germline.
Comment: The p.M300L variant (also known as c.898A>T), located in coding exon 9 of the MYH7 gene, results from an A to T substitution at nucleotide position 898. The methionine at codon 300 is replaced by leucine, an amino acid with highly similar properties. This amino acid position is highly conserved in available vertebrate species. In addition, the in silico prediction for this alteration is inconclusive. Based on the available evidence, the clinical significance of this variant remains unclear.

All of Us Research Program, National Institutes of Health
Classification: Uncertain significance for Cardiomyopathy. Last evaluated: 2023-07-10. Review status: criteria provided, single submitter. Criteria: ACMG Guidelines, 2015. Collection method: clinical testing. Allele origin: germline. Inheritance: Autosomal dominant inheritance. Observed: 1 variant allele, 1 heterozygote.
Comment: This missense variant replaces methionine with leucine at codon 300 of the MYH7 protein. Computational prediction suggests that this variant may not impact protein structure and function (internally defined REVEL score threshold <= 0.5, PMID: 27666373). To our knowledge, functional studies have not been reported for this variant. This variant has not been reported in individuals affected with MYH7-related disorders in the literature. This variant has been identified in 1/251322 chromosomes in the general population by the Genome Aggregation Database (gnomAD). The available evidence is insufficient to determine the role of this variant in disease conclusively. Therefore, this variant is classified as a Variant of Uncertain Significance.

This study involves interpretation of variants in research participants for the purpose of population health screening. Participant phenotype was not available at the time of variant classification. Additional details can be found in publication PMID: 35346344, PMCID: PMC8962531

NM_000257.4(MYH7):c.898A>T (p.Met300Leu)

Gene: MYH7 (myosin heavy chain 7; minus strand). Cytogenetic location: 14q11.2.
Variant type: single nucleotide variant.
Coding change: c.898A>T on transcript NM_000257.4 (MANE Select); coding-DNA position 898, A replaced by T.
Protein change: p.Met300Leu; replaces methionine 300 with leucine.
Molecular consequence: missense variant.
Genome position (GRCh38, 1-based): chr14:23,430,661, T>A on the plus strand (A>T on the coding strand, the complement: MYH7 is on the minus strand). VCF-style: chr14-23430661-T-A. GRCh37 (hg19) VCF-style: chr14-23899870-T-A.
Other names: short protein forms M300L.
Identifiers: ClinVar variation 1332482 (VCV001332482.10), dbSNP rs759998697, ClinGen allele CA049649.